The following is an entry in ClinVar:

ClinVar aggregate classification (germline): Uncertain significance. Review status: criteria provided, multiple submitters, no conflicts (2 of 4 stars). 2 submissions from 2 submitters: Uncertain significance (2). Last evaluated 2022-10-10.

Conditions:
Spastic paraplegia. Identifiers: MedGen C0037772, HP:0001258.

Allele frequency attached by ClinVar (database versions not stated): TOPMed below 0.00001; gnomAD 0.00001; gnomAD exomes 0.00001.
gnomAD v4.1: 4 of 1,613,524 alleles (0.00025%); highest among the groups gnomAD compares: Non-Finnish European, 0.00034%; no homozygotes.

Submissions (2):

Blueprint Genetics
Classification: Uncertain significance. Last evaluated: 2022-10-10. Review status: criteria provided, single submitter. Criteria: ACMG Guidelines, 2015. Collection method: clinical testing. Allele origin: germline.

Labcorp Genetics (formerly Invitae), Labcorp
Classification: Uncertain significance for Spastic paraplegia. Last evaluated: 2022-05-27. Review status: criteria provided, single submitter. Criteria: Invitae Variant Classification Sherloc (09022015). Collection method: clinical testing. Allele origin: germline.
Comment: This sequence change replaces threonine, which is neutral and polar, with arginine, which is basic and polar, at codon 194 of the CYP7B1 protein (p.Thr194Arg). This variant is not present in population databases (gnomAD no frequency). This variant has not been reported in the literature in individuals affected with CYP7B1-related conditions. Algorithms developed to predict the effect of missense changes on protein structure and function are either unavailable or do not agree on the potential impact of this missense change (SIFT: "Tolerated"; PolyPhen-2: "Possibly Damaging"; Align-GVGD: "Class C0"). In summary, the available evidence is currently insufficient to determine the role of this variant in disease. Therefore, it has been classified as a Variant of Uncertain Significance.

NM_004820.5(CYP7B1):c.581C>G (p.Thr194Arg)

Gene: CYP7B1 (cytochrome P450 family 7 subfamily B member 1; minus strand). Cytogenetic location: 8q12.3.
Variant type: single nucleotide variant.
Coding change: c.581C>G on transcript NM_004820.5 (MANE Select); coding-DNA position 581, C replaced by G.
Protein change: p.Thr194Arg; replaces threonine 194 with arginine.
Molecular consequence: missense variant.
Genome position (GRCh38, 1-based): chr8:64,615,960, G>C on the plus strand (C>G on the coding strand, the complement: CYP7B1 is on the minus strand). VCF-style: chr8-64615960-G-C. GRCh37 (hg19) VCF-style: chr8-65528517-G-C.
Other names: c.581C>G, p.Thr194Arg (NM_001324112.2); short protein forms T194R.
Identifiers: ClinVar variation 1389816 (VCV001389816.4), dbSNP rs1316960085, ClinGen allele CA371335431.